The following is an entry in ClinVar:

ClinVar aggregate classification (germline): Uncertain significance (1 of 4 stars; one submission).

Submission:

GeneDx
Classification: Uncertain significance. Last evaluated: 2025-07-09. Review status: criteria provided, single submitter. Criteria: GeneDx Variant Classification Process June 2021. Collection method: clinical testing. Allele origin: germline. Affected: yes.
Comment: Not observed at significant frequency in large population cohorts (gnomAD); In silico analysis supports that this missense variant has a deleterious effect on protein structure/function; Has not been previously published as pathogenic or benign to our knowledge

NM_032229.3(SLITRK6):c.320C>T (p.Ala107Val)

Gene: SLITRK6 (SLIT and NTRK like family member 6; minus strand). Cytogenetic location: 13q31.1.
Variant type: single nucleotide variant.
Coding change: c.320C>T on transcript NM_032229.3 (MANE Select); coding-DNA position 320, C replaced by T.
Protein change: p.Ala107Val; replaces alanine 107 with valine.
Molecular consequence: missense variant.
Genome position (GRCh38, 1-based): chr13:85,796,189, G>A on the plus strand (C>T on the coding strand, the complement: SLITRK6 is on the minus strand). VCF-style: chr13-85796189-G-A. GRCh37 (hg19) VCF-style: chr13-86370324-G-A.
Other names: short protein forms A107V.
Identifiers: ClinVar variation 4685306 (VCV004685306.1).